The following is an entry in ClinVar:

ClinVar aggregate classification (germline): Uncertain significance. Review status: criteria provided, multiple submitters, no conflicts (2 of 4 stars). 2 submissions from 2 submitters: Uncertain significance (2). Last evaluated 2025-08-27.

Conditions:
Familial adenomatous polyposis 2. Also called: COLORECTAL ADENOMATOUS POLYPOSIS, AUTOSOMAL RECESSIVE; ADENOMAS, MULTIPLE COLORECTAL, AUTOSOMAL RECESSIVE; MYH-associated polyposis; MUTYH-associated polyposis; MUTYH-related attenuated familial adenomatous polyposis; MUTYH Polyposis. Identifiers: Orphanet 220460, Orphanet 247798, MedGen C3272841, MONDO:0012041, OMIM 608456.
Hereditary cancer-predisposing syndrome. Also called: Tumor predisposition; Hereditary Cancer Syndrome; Hereditary neoplastic syndrome; Neoplastic Syndromes, Hereditary. Identifiers: Orphanet 140162, MedGen C0027672, MeSH D009386, MONDO:0015356.

Submissions (2):

Ambry Genetics
Classification: Uncertain significance for Hereditary cancer-predisposing syndrome. Last evaluated: 2025-08-27. Review status: criteria provided, single submitter. Criteria: Ambry Variant Classification Scheme 2023. Collection method: clinical testing. Allele origin: germline.
Comment: The p.N394K variant (also known as c.1182C>A), located in coding exon 12 of the MUTYH gene, results from a C to A substitution at nucleotide position 1182. The asparagine at codon 394 is replaced by lysine, an amino acid with similar properties. This amino acid position is conserved. In addition, this alteration is predicted to be tolerated by in silico analysis. Based on the available evidence, the clinical significance of this variant remains unclear.

All of Us Research Program, National Institutes of Health
Classification: Uncertain significance for Familial adenomatous polyposis 2. Last evaluated: 2023-05-31. Review status: criteria provided, single submitter. Criteria: ACMG Guidelines, 2015. Collection method: clinical testing. Allele origin: germline. Inheritance: Autosomal recessive inheritance. Observed: 1 variant allele, 1 heterozygote.
Comment: This missense variant replaces asparagine with lysine at codon 394 of the MUTYH protein. Computational prediction suggests that this variant may not impact protein structure and function (internally defined REVEL score threshold <= 0.5, PMID: 27666373). To our knowledge, functional studies have not been reported for this variant. This variant has not been reported in individuals affected with hereditary cancer in the literature. This variant has not been identified in the general population by the Genome Aggregation Database (gnomAD). The available evidence is insufficient to determine the role of this variant in disease conclusively. Therefore, this variant is classified as a Variant of Uncertain Significance.

This study involves interpretation of variants in research participants for the purpose of population health screening. Participant phenotype was not available at the time of variant classification. Additional details can be found in publication PMID: 35346344, PMCID: PMC8962531

NM_001048174.2(MUTYH):c.1098C>A (p.Asn366Lys)

Gene: MUTYH (mutY DNA glycosylase; minus strand). Cytogenetic location: 1p34.1.
Variant type: single nucleotide variant.
Coding change: c.1098C>A on transcript NM_001048174.2 (MANE Select); coding-DNA position 1098, C replaced by A.
Protein change: p.Asn366Lys; replaces asparagine 366 with lysine.
Molecular consequence: missense variant. On other transcripts: non-coding transcript variant (7).
Genome position (GRCh38, 1-based): chr1:45,331,665, G>T on the plus strand (C>A on the coding strand, the complement: MUTYH is on the minus strand). VCF-style: chr1-45331665-G-T. GRCh37 (hg19) VCF-style: chr1-45797337-G-T.
Other names: c.1098C>A, p.Asn366Lys (NM_001048171.2, NM_001048173.2, NM_001293195.2 and 6 more transcripts); c.1101C>A, p.Asn367Lys (NM_001048172.2, NM_001407071.1, NM_001407078.1 and 1 more transcripts); c.1182C>A, p.Asn394Lys (NM_001128425.2); c.1143C>A, p.Asn381Lys (NM_001293190.2); c.1131C>A, p.Asn377Lys (NM_001293191.2, NM_001407069.1, NM_001407077.1); c.822C>A, p.Asn274Lys (NM_001293192.2, NM_001293196.2, NM_001407091.1); c.753C>A, p.Asn251Lys (NM_001350650.2, NM_001350651.2, NM_001407082.1); c.1014C>A, p.Asn338Lys (NM_001407075.1); and 5 more; short protein forms N251K, N274K, N338K, N352K, N353K, N366K, N367K, N373K.
Identifiers: ClinVar variation 3074808 (VCV003074808.2), dbSNP rs749902808, ClinGen allele CA340133256.